The following is an entry in ClinVar:

NM_013372.7(GREM1):c.250A>G (p.Thr84Ala)

Gene: GREM1 (gremlin 1, DAN family BMP antagonist; plus strand). Cytogenetic location: 15q13.3.
Variant type: single nucleotide variant.
Coding change: c.250A>G on transcript NM_013372.7 (MANE Select); coding-DNA position 250, A replaced by G.
Protein change: p.Thr84Ala; replaces threonine 84 with alanine.
Molecular consequence: missense variant.
Genome position (GRCh38, 1-based): chr15:32,730,940, A>G. VCF-style: chr15-32730940-A-G. GRCh37 (hg19) VCF-style: chr15-33023141-A-G.
Other names: c.40A>G, p.Thr14Ala (NM_001191322.2); c.127A>G, p.Thr43Ala (NM_001191323.2); c.250A>G, p.Thr84Ala (NM_001368719.1); short protein forms T43A, T84A, T14A.
Identifiers: ClinVar variation 1792360 (VCV001792360.2), dbSNP rs2548707693, ClinGen allele CA391557519.
Genomic context (GRCh38, chr15:32,730,940, plus strand): 5'-CGGGGCACTGCCATGCCCGGGGAGGAGGTGCTGGAGTCCAGCCAAGAGGCCCTGCATGTG[A>G]CGGAGCGCAAATACCTGAAGCGAGACTGGTGCAAAACCCAGCCGCTTAAGCAGACCATCC-3'
Protein context (NP_037504.1, residues 74-94): LESSQEALHV[Thr84Ala]ERKYLKRDWC

ClinVar aggregate classification (germline): Uncertain significance (1 of 4 stars; one submission).

Conditions:
Hereditary cancer-predisposing syndrome. Also called: Hereditary Cancer Syndrome; Hereditary neoplastic syndrome; Tumor predisposition; Neoplastic Syndromes, Hereditary. Identifiers: Orphanet 140162, MedGen C0027672, MeSH D009386, MONDO:0015356.

Submission:

Ambry Genetics
Classification: Uncertain significance for Hereditary cancer-predisposing syndrome. Last evaluated: 2022-04-29. Review status: criteria provided, single submitter. Criteria: Ambry Variant Classification Scheme 2023. Collection method: clinical testing. Allele origin: germline.
Comment: The p.T84A variant (also known as c.250A>G), located in coding exon 1 of the GREM1 gene, results from an A to G substitution at nucleotide position 250. The threonine at codon 84 is replaced by alanine, an amino acid with similar properties. This amino acid position is conserved. In addition, the in silico prediction for this alteration is inconclusive. Since supporting evidence is limited at this time, the clinical significance of this alteration remains unclear.